The following is an entry in ClinVar:

NM_001365999.1(SZT2):c.4216C>G (p.Pro1406Ala)

Gene: SZT2 (SZT2 subunit of KICSTOR complex; plus strand). Cytogenetic location: 1p34.2.
Variant type: single nucleotide variant.
Coding change: c.4216C>G on transcript NM_001365999.1 (MANE Select); coding-DNA position 4216, C replaced by G.
Protein change: p.Pro1406Ala; replaces proline 1406 with alanine.
Molecular consequence: missense variant.
Genome position (GRCh38, 1-based): chr1:43,429,752, C>G. VCF-style: chr1-43429752-C-G. GRCh37 (hg19) VCF-style: chr1-43895423-C-G.
Other names: c.4045C>G, p.Pro1349Ala (NM_015284.4); short protein forms P1349A, P1406A.
Identifiers: ClinVar variation 2128654 (VCV002128654.4), dbSNP rs1653632183, ClinGen allele CA340020471.

ClinVar aggregate classification (germline): Uncertain significance (1 of 4 stars; one submission).

Allele frequency attached by ClinVar (database versions not stated): gnomAD exomes below 0.00001.

Submission:

Labcorp Genetics (formerly Invitae), Labcorp
Classification: Uncertain significance. Last evaluated: 2022-04-21. Review status: criteria provided, single submitter. Criteria: Invitae Variant Classification Sherloc (09022015). Collection method: clinical testing. Allele origin: germline.
Comment: In summary, the available evidence is currently insufficient to determine the role of this variant in disease. Therefore, it has been classified as a Variant of Uncertain Significance. Algorithms developed to predict the effect of missense changes on protein structure and function output the following: SIFT: "Tolerated"; PolyPhen-2: "Benign"; Align-GVGD: "Class C0". The alanine amino acid residue is found in multiple mammalian species, which suggests that this missense change does not adversely affect protein function. This variant has not been reported in the literature in individuals affected with SZT2-related conditions. This variant is not present in population databases (gnomAD no frequency). This sequence change replaces proline, which is neutral and non-polar, with alanine, which is neutral and non-polar, at codon 1349 of the SZT2 protein (p.Pro1349Ala).